The following is an entry in ClinVar:

NM_001330588.2(TPP2):c.845G>A (p.Arg282Gln)

Gene: TPP2 (tripeptidyl peptidase 2; plus strand). Cytogenetic location: 13q33.1.
Variant type: single nucleotide variant.
Coding change: c.845G>A on transcript NM_001330588.2 (MANE Select); coding-DNA position 845, G replaced by A.
Protein change: p.Arg282Gln; replaces arginine 282 with glutamine.
Molecular consequence: missense variant. On other transcripts: non-coding transcript variant (1).
Genome position (GRCh38, 1-based): chr13:102,627,072, G>A. VCF-style: chr13-102627072-G-A. GRCh37 (hg19) VCF-style: chr13-103279422-G-A.
Other names: c.845G>A, p.Arg282Gln (NM_001367947.1, NM_003291.4); short protein forms R282Q.
Identifiers: ClinVar variation 4726086 (VCV004726086.1).

ClinVar aggregate classification (germline): Uncertain significance (1 of 4 stars; one submission).

Conditions:
Evans syndrome, immunodeficiency, and premature immunosenescence associated with tripeptidyl-peptidase II deficiency. Identifiers: MedGen CN231723. Disease mechanism: loss of function.

gnomAD v4.1: 10 of 1,598,112 alleles (0.00063%); highest among the groups gnomAD compares: South Asian, 0.0068%; no homozygotes.

Submission:

Labcorp Genetics (formerly Invitae), Labcorp
Classification: Uncertain significance for Evans syndrome, immunodeficiency, and premature immunosenescence associated with tripeptidyl-peptidase II deficiency. Last evaluated: 2025-09-01. Review status: criteria provided, single submitter. Criteria: Invitae Variant Classification Sherloc (09022015). Collection method: clinical testing. Allele origin: germline.
Comment: This sequence change replaces arginine, which is basic and polar, with glutamine, which is neutral and polar, at codon 282 of the TPP2 protein (p.Arg282Gln). The frequency data for this variant in the population databases is considered unreliable, as metrics indicate poor data quality at this position in the gnomAD database. This variant has not been reported in the literature in individuals affected with TPP2-related conditions. An algorithm developed to predict the effect of missense changes on protein structure and function (PolyPhen-2) suggests that this variant is likely to be disruptive. In summary, the available evidence is currently insufficient to determine the role of this variant in disease. Therefore, it has been classified as a Variant of Uncertain Significance.